The following is an entry in ClinVar:

NM_005591.4(MRE11):c.1145G>C (p.Ser382Thr)

Gene: MRE11 (MRE11 double strand break repair nuclease; minus strand). Cytogenetic location: 11q21.
Variant type: single nucleotide variant.
Coding change: c.1145G>C on transcript NM_005591.4 (MANE Select); coding-DNA position 1145, G replaced by C.
Protein change: p.Ser382Thr; replaces serine 382 with threonine.
Molecular consequence: missense variant.
Genome position (GRCh38, 1-based): chr11:94,464,193, C>G on the plus strand (G>C on the coding strand, the complement: MRE11 is on the minus strand). VCF-style: chr11-94464193-C-G. GRCh37 (hg19) VCF-style: chr11-94197359-C-G.
Other names: c.1145G>C, p.Ser382Thr (NM_001330347.2, NM_005590.4); short protein forms S382T.
Identifiers: ClinVar variation 230566 (VCV000230566.13), dbSNP rs745769023, ClinGen allele CA6235140.
Genomic context (GRCh38, chr11:94,464,193, plus strand): 5'-CTATGCCTGAAAAAATGGATAATGTCTTTTGGATTAGCTACCCGATCCACAAATTTCTGG[C>G]TAAAGCGAAGAACACTGAAAGGTTCAAAACCTCCACTATAGTCCACCTGAAAACACAGAA-3'
Protein context (NP_005582.1, residues 372-392): GFEPFSVLRF[Ser382Thr]QKFVDRVANP

ClinVar aggregate classification (germline): Uncertain significance. Review status: criteria provided, multiple submitters, no conflicts (2 of 4 stars). 4 submissions from 4 submitters: Uncertain significance (4). Last evaluated 2025-02-17.

Conditions:
Hereditary cancer-predisposing syndrome. Also called: Neoplastic Syndromes, Hereditary; Tumor predisposition; Hereditary Cancer Syndrome; Hereditary neoplastic syndrome. Identifiers: Orphanet 140162, MedGen C0027672, MeSH D009386, MONDO:0015356.
Ataxia-telangiectasia-like disorder (ATLD). Identifiers: MedGen C1858391, MONDO:0011457.
Ataxia-telangiectasia-like disorder 1 (ATLD1). Identifiers: Orphanet 251347, MedGen C4012790, MONDO:0024557, OMIM 604391.

Allele frequency attached by ClinVar (database versions not stated): TOPMed 0.00001; gnomAD 0.00002; gnomAD exomes 0.00004; ExAC 0.00007.
gnomAD v4.1: 64 of 1,613,828 alleles (0.004%); highest among the groups gnomAD compares: Non-Finnish European, 0.0049%; no homozygotes.

Submissions (4):

Quest Diagnostics Nichols Institute San Juan Capistrano
Classification: Uncertain significance. Last evaluated: 2025-02-17. Review status: criteria provided, single submitter. Criteria: Quest Diagnostics criteria. Collection method: clinical testing. Allele origin: unknown.

Ambry Genetics
Classification: Uncertain significance for Hereditary cancer-predisposing syndrome. Last evaluated: 2023-08-08. Review status: criteria provided, single submitter. Criteria: Ambry Variant Classification Scheme 2023. Collection method: clinical testing. Allele origin: germline.

Labcorp Genetics (formerly Invitae), Labcorp
Classification: Uncertain significance for Ataxia-telangiectasia-like disorder. Last evaluated: 2021-09-01. Review status: criteria provided, single submitter. Criteria: Invitae Variant Classification Sherloc (09022015). Collection method: clinical testing. Allele origin: germline.
Comment: This sequence change replaces serine with threonine at codon 382 of the MRE11 protein (p.Ser382Thr). The serine residue is highly conserved and there is a small physicochemical difference between serine and threonine. This variant is present in population databases (rs745769023, ExAC 0.01%). This variant has not been reported in the literature in individuals affected with MRE11-related conditions. ClinVar contains an entry for this variant (Variation ID: 230566). Algorithms developed to predict the effect of missense changes on protein structure and function (SIFT, PolyPhen-2, Align-GVGD) all suggest that this variant is likely to be tolerated. In summary, the available evidence is currently insufficient to determine the role of this variant in disease. Therefore, it has been classified as a Variant of Uncertain Significance.

Fulgent Genetics
Classification: Uncertain significance for Ataxia-telangiectasia-like disorder 1. Last evaluated: 2018-10-31. Review status: criteria provided, single submitter. Criteria: ACMG Guidelines, 2015. Collection method: clinical testing. Allele origin: unknown.